The following is an entry in ClinVar:

NM_000036.3(AMPD1):c.2005G>A (p.Ala669Thr)

Gene: AMPD1 (adenosine monophosphate deaminase 1; minus strand). Cytogenetic location: 1p13.2.
Variant type: single nucleotide variant.
Coding change: c.2005G>A on transcript NM_000036.3 (MANE Select); coding-DNA position 2005, G replaced by A.
Protein change: p.Ala669Thr; replaces alanine 669 with threonine.
Molecular consequence: missense variant.
Genome position (GRCh38, 1-based): chr1:114,673,719, C>T on the plus strand (G>A on the coding strand, the complement: AMPD1 is on the minus strand). VCF-style: chr1-114673719-C-T. GRCh37 (hg19) VCF-style: chr1-115216340-C-T.
Other names: c.1993G>A, p.Ala665Thr (NM_001172626.2); short protein forms A702T, A665T, A669T.
Identifiers: ClinVar variation 847306 (VCV000847306.10), dbSNP rs1657899229, ClinGen allele CA341744003.

ClinVar aggregate classification (germline): Uncertain significance (1 of 4 stars; one submission).

Conditions:
Muscle AMP deaminase deficiency (MMDD). Also called: Myoadenylate deaminase deficiency, myopathy due to; Adenosine monophosphate deaminase 1 deficiency; AMP deaminase 1 deficiency; Adenosine Monophosphate Deaminase 1; AMPD1 DEFICIENCY; ADENOSINE MONOPHOSPHATE DEAMINASE-1 DEFICIENCY, MYOPATHY DUE TO. Identifiers: Orphanet 45, MedGen C3714933, MONDO:0014220, OMIM 615511.

Allele frequency attached by ClinVar (database versions not stated): TOPMed below 0.00001; gnomAD exomes 0.00001.
gnomAD v4.1: 5 of 1,613,978 alleles (0.00031%); highest among the groups gnomAD compares: Non-Finnish European, 0.00042%; no homozygotes.

Submission:

Labcorp Genetics (formerly Invitae), Labcorp
Classification: Uncertain significance for Muscle AMP deaminase deficiency. Last evaluated: 2019-12-20. Review status: criteria provided, single submitter. Criteria: Invitae Variant Classification Sherloc (09022015). Collection method: clinical testing. Allele origin: germline.
Comment: This sequence change replaces alanine with threonine at codon 702 of the AMPD1 protein (p.Ala702Thr). The alanine residue is highly conserved and there is a small physicochemical difference between alanine and threonine. In summary, the available evidence is currently insufficient to determine the role of this variant in disease. Therefore, it has been classified as a Variant of Uncertain Significance. Algorithms developed to predict the effect of missense changes on protein structure and function (SIFT, PolyPhen-2, Align-GVGD) all suggest that this variant is likely to be disruptive, but these predictions have not been confirmed by published functional studies and their clinical significance is uncertain. This variant has not been reported in the literature in individuals with AMPD1-related conditions. This variant is not present in population databases (ExAC no frequency).